The following is an entry in ClinVar:

ClinVar aggregate classification (germline): Conflicting classifications of pathogenicity. Review status: criteria provided, conflicting classifications (1 of 4 stars). 3 submissions from 3 submitters: Likely pathogenic (1); Uncertain significance (1). 1 of the submissions does not count toward it. Last evaluated 2021-03-29.

Conditions:
Sporadic porphyria cutanea tarda. Also called: PCT, TYPE I; Porphyria cutanea tarda, type I; PCT, ''SPORADIC'' TYPE. Identifiers: Orphanet 101330, Orphanet 443057, MedGen C1867968, MONDO:0008295, OMIM 176090.
Hepatoerythropoietic porphyria (HEP). Identifiers: Orphanet 95159, MedGen C0162569, MONDO:0019799.

Allele frequency attached by ClinVar (database versions not stated): gnomAD exomes 0.00001; ExAC 0.00002.
gnomAD v4.1: 4 of 1,613,788 alleles (0.00025%); highest among the groups gnomAD compares: Non-Finnish European, 0.00034%; no homozygotes.

Submissions (3):

Labcorp Genetics (formerly Invitae), Labcorp
Classification: Uncertain significance. Last evaluated: 2021-03-29. Review status: criteria provided, single submitter. Criteria: Invitae Variant Classification Sherloc (09022015). Collection method: clinical testing. Allele origin: germline.
Comment: This sequence change replaces tyrosine with cysteine at codon 311 of the UROD protein (p.Tyr311Cys). The tyrosine residue is highly conserved and there is a large physicochemical difference between tyrosine and cysteine. In summary, the available evidence is currently insufficient to determine the role of this variant in disease. Therefore, it has been classified as a Variant of Uncertain Significance. Experimental studies have shown that this variant affects UROD protein function (PMID: 8644733). This variant has been observed in individual(s) with autosomal recessive hepatoerythropoietic porphyria (PMID: 8644733). ClinVar contains an entry for this variant (Variation ID: 71). This variant is present in population databases (rs121918061, ExAC 0.003%).

Genomic Research Center, Shahid Beheshti University of Medical Sciences
Classification: Likely pathogenic for Porphyria cutanea tarda, type I. Last evaluated: 2020-05-03. Review status: criteria provided, single submitter. Criteria: ACMG Guidelines, 2015. Collection method: clinical testing. Allele origin: unknown. Affected: yes.

OMIM
Classification: Pathogenic for PORPHYRIA, HEPATOERYTHROPOIETIC. Last evaluated: 1996-04-01. Review status: no assertion criteria provided. Collection method: literature only. Allele origin: germline. Not counted in ClinVar's aggregate classification.

Literature cited by the submitters: PubMed 8644733 (cited by Labcorp Genetics (formerly Invitae), Labcorp and OMIM).

NM_000374.5(UROD):c.932A>G (p.Tyr311Cys)

Gene: UROD (uroporphyrinogen decarboxylase; plus strand). Cytogenetic location: 1p34.1.
Variant type: single nucleotide variant.
Coding change: c.932A>G on transcript NM_000374.5 (MANE Select); coding-DNA position 932, A replaced by G.
Protein change: p.Tyr311Cys; replaces tyrosine 311 with cysteine.
Molecular consequence: missense variant. On other transcripts: non-coding transcript variant (3).
Genome position (GRCh38, 1-based): chr1:45,014,996, A>G. VCF-style: chr1-45014996-A-G. GRCh37 (hg19) VCF-style: chr1-45480668-A-G.
Other names: short protein forms Y311C.
Identifiers: ClinVar variation 71 (VCV000000071.11), dbSNP rs121918061, ClinGen allele CA251375.